The following is an entry in ClinVar:

NM_000236.3(LIPC):c.473C>G (p.Ser158Cys)

Gene: LIPC (lipase C, hepatic type; plus strand). Cytogenetic location: 15q21.3.
Variant type: single nucleotide variant.
Coding change: c.473C>G on transcript NM_000236.3 (MANE Select); coding-DNA position 473, C replaced by G.
Protein change: p.Ser158Cys; replaces serine 158 with cysteine.
Molecular consequence: missense variant.
Genome position (GRCh38, 1-based): chr15:58,542,550, C>G. VCF-style: chr15-58542550-C-G. GRCh37 (hg19) VCF-style: chr15-58834749-C-G.
Other names: short protein forms S158C.
Identifiers: ClinVar variation 4693396 (VCV004693396.1).

ClinVar aggregate classification (germline): Uncertain significance (1 of 4 stars; one submission).

gnomAD v4.1: 28 of 1,612,726 alleles (0.0017%); highest among the groups gnomAD compares: African/African-American, 0.035%; no homozygotes.

Submission:

Labcorp Genetics (formerly Invitae), Labcorp
Classification: Uncertain significance. Last evaluated: 2025-05-12. Review status: criteria provided, single submitter. Criteria: Invitae Variant Classification Sherloc (09022015). Collection method: clinical testing. Allele origin: germline.
Comment: This sequence change replaces serine, which is neutral and polar, with cysteine, which is neutral and slightly polar, at codon 158 of the LIPC protein (p.Ser158Cys). This variant is present in population databases (rs142833050, gnomAD 0.03%). This missense change has been observed in individual(s) with dyslipidemia (PMID: 36325899). Invitae Evidence Modeling of protein sequence and biophysical properties (such as structural, functional, and spatial information, amino acid conservation, physicochemical variation, residue mobility, and thermodynamic stability) indicates that this missense variant is expected to disrupt LIPC protein function with a positive predictive value of 80%. In summary, the available evidence is currently insufficient to determine the role of this variant in disease. Therefore, it has been classified as a Variant of Uncertain Significance.

Literature cited by the submitters: PubMed 36325899.